The following is an entry in ClinVar:

ClinVar aggregate classification (germline): Uncertain significance (1 of 4 stars; one submission).

Conditions:
Early Myoclonic Encephalopathy. Identifiers: MedGen C0270855.

gnomAD v4.1: 2 of 1,613,876 alleles (0.00012%); no homozygotes.

Submission:

Labcorp Genetics (formerly Invitae), Labcorp
Classification: Uncertain significance for Early Myoclonic Encephalopathy. Last evaluated: 2018-03-28. Review status: criteria provided, single submitter. Criteria: Invitae Variant Classification Sherloc (09022015). Collection method: clinical testing. Allele origin: germline.
Comment: In summary, the available evidence is currently insufficient to determine the role of this variant in disease. Therefore, it has been classified as a Variant of Uncertain Significance. Algorithms developed to predict the effect of missense changes on protein structure and function (SIFT, PolyPhen-2, Align-GVGD) all suggest that this variant is likely to be tolerated, but these predictions have not been confirmed by published functional studies and their clinical significance is uncertain. This variant has not been reported in the literature in individuals with JMJD1C-related disease. This variant is not present in population databases (ExAC no frequency). This sequence change replaces serine with arginine at codon 578 of the JMJD1C protein (p.Ser578Arg). The serine residue is weakly conserved and there is a moderate physicochemical difference between serine and arginine.

NM_032776.3(JMJD1C):c.1732A>C (p.Ser578Arg)

Gene: JMJD1C (jumonji domain containing 1C; minus strand). Cytogenetic location: 10q21.3.
Variant type: single nucleotide variant.
Coding change: c.1732A>C on transcript NM_032776.3 (MANE Select); coding-DNA position 1732, A replaced by C.
Protein change: p.Ser578Arg; replaces serine 578 with arginine.
Molecular consequence: missense variant. On other transcripts: non-coding transcript variant (1).
Genome position (GRCh38, 1-based): chr10:63,214,435, T>G on the plus strand (A>C on the coding strand, the complement: JMJD1C is on the minus strand). VCF-style: chr10-63214435-T-G. GRCh37 (hg19) VCF-style: chr10-64974195-T-G.
Other names: c.1186A>C, p.Ser396Arg (NM_001282948.2, NM_001318154.2); c.868A>C, p.Ser290Arg (NM_001318153.2); c.1618A>C, p.Ser540Arg (NM_001322252.2); c.1075A>C, p.Ser359Arg (NM_001322254.2, NM_001322258.2); short protein forms S578R, S290R, S540R, S359R, S396R.
Identifiers: ClinVar variation 570207 (VCV000570207.8), dbSNP rs1564621824, ClinGen allele CA377047941.
Genomic context (GRCh38, chr10:63,214,435, plus strand): 5'-AGACATACTTCTCTTTTTCCATGTTCAAGTGATCATTTCCTGAAGAAGCATTTGTAACAC[T>G]TGATTGGGTTAGATCCACTTTAACTACATCACTGACCCAGCTCTGGTCAGAATCTTTTTT-3'
Protein context (NP_116165.1, residues 568-588): DVVKVDLTQS[Ser578Arg]VTNASSGNDH